The following is an entry in ClinVar:

ClinVar aggregate classification (germline): Likely pathogenic. Review status: criteria provided, multiple submitters, no conflicts (2 of 4 stars). 5 submissions from 5 submitters: Likely pathogenic (3). 2 of the submissions do not count toward it. Last evaluated 2025-11-06.

Conditions:
Plasma factor XI deficiency.
Hereditary factor XI deficiency disease. Also called: Congenital factor XI deficiency; PLASMA THROMBOPLASTIN ANTECEDENT DEFICIENCY; PTA DEFICIENCY; ROSENTHAL SYNDROME. Identifiers: Orphanet 329, MedGen C0015523, MeSH D005173, MONDO:0012897, OMIM 612416.

Allele frequency attached by ClinVar (database versions not stated): gnomAD below 0.00001 and 0.00002; gnomAD exomes 0.00001.
gnomAD v4.1: 18 of 1,614,114 alleles (0.0011%); highest among the groups gnomAD compares: Middle Eastern, 0.033%; no homozygotes.

Submissions (5):

Natera, Inc.
Classification: Likely pathogenic for Plasma factor XI deficiency. Last evaluated: 2025-11-06. Review status: criteria provided, single submitter. Criteria: Natera Variant Classification Schema (03/2026). Collection method: clinical testing. Allele origin: germline.
Comment: The c.977G>A variant in F11 is a missense variant predicted to cause substitution of arginine to histidine at amino acid 326. This variant is rare in the general population with a frequency below the threshold expected for the associated phenotype(s). This variant has been observed in one or more individuals affected with the associated recessive disease, as either homozygous or compound heterozygous with a second variant (PMID: 20398070, 27067486). This variant has been observed in affected individual(s) with monoallelic occurrence (heterozygous/hemizygous) (PMID: 29138690). Computational prediction algorithms indicate this variant is likely to affect gene or protein function. Given the available evidence, this variant is classified as Likely Pathogenic.

Labcorp Genetics (formerly Invitae), Labcorp
Classification: Likely pathogenic. Last evaluated: 2024-01-24. Review status: criteria provided, single submitter. Criteria: Invitae Variant Classification Sherloc (09022015). Collection method: clinical testing. Allele origin: germline.
Comment: This sequence change replaces arginine, which is basic and polar, with histidine, which is basic and polar, at codon 326 of the F11 protein (p.Arg326His). This variant is not present in population databases (gnomAD no frequency). This missense change has been observed in individuals with autosomal recessive Factor XI deficiency (PMID: 20398070, 27067486, 29138690). This variant is also known as p.Arg308His. ClinVar contains an entry for this variant (Variation ID: 550462). Advanced modeling of protein sequence and biophysical properties (such as structural, functional, and spatial information, amino acid conservation, physicochemical variation, residue mobility, and thermodynamic stability) performed at Invitae indicates that this missense variant is expected to disrupt F11 protein function with a positive predictive value of 80%. This variant disrupts the p.Arg326 amino acid residue in F11. Other variant(s) that disrupt this residue have been observed in individuals with F11-related conditions (PMID: 20398070, 27067486), which suggests that this may be a clinically significant amino acid residue. In summary, the currently available evidence indicates that the variant is pathogenic, but additional data are needed to prove that conclusively. Therefore, this variant has been classified as Likely Pathogenic.

Women's Health and Genetics/Laboratory Corporation of America, LabCorp
Classification: Likely pathogenic for Hereditary factor XI deficiency disease. Last evaluated: 2023-07-27. Review status: criteria provided, single submitter. Criteria: LabCorp Variant Classification Summary - May 2015. Collection method: clinical testing. Allele origin: germline.
Comment: Variant summary: F11 c.977G>A (p.Arg326His) results in a non-conservative amino acid change located in the fourth Apple domain (IPR000177) of the encoded protein sequence. Five of five in-silico tools predict a damaging effect of the variant on protein function. The variant was absent in 251384 control chromosomes (gnomAD v2.1 Exomes dataset). The available data on variant occurrences in the general population are insufficient to allow any conclusion about variant significance. c.977G>A has been reported in the literature in individuals at least 3 compound heterozygotes (FXI:C <1-20 IU/dL) as well as 2 heterozygotes (FXI:C 20-70 IU/dL) affected with Hereditary factor XI deficiency disease, and all of these individuals either displayed a mild phenotype or were asymptomatic (e.g., Rugeri_2010, Shao_2016, Tiscia_2017). These data indicate that the variant is likely to be associated with disease. To our knowledge, no experimental evidence demonstrating an impact on protein function has been reported. The following publications have been ascertained in the context of this evaluation (PMID: 20398070, 27067486, 29138690). Two submitters have reported clinical-significance assessments for this variant to ClinVar after 2014. One submitter classified the variant as likely pathogenic, and one submitter classified the variant as uncertain significance. Based on the evidence outlined above, the variant was classified as likely pathogenic.

Zotz-Klimas Genetics Lab, MVZ Zotz Klimas
Classification: Uncertain significance for Hereditary factor XI deficiency disease. Last evaluated: 2023-10-30. Review status: no assertion criteria provided. Collection method: clinical testing. Allele origin: germline. Affected: yes. Not counted in ClinVar's aggregate classification.

Counsyl
Classification: Uncertain significance for Hereditary factor XI deficiency disease. Last evaluated: 2017-01-17. Review status: no assertion criteria provided. Collection method: clinical testing. Allele origin: unknown. Not counted in ClinVar's aggregate classification.

Literature cited by the submitters: PubMed 20398070 (cited by 4 submitters); PubMed 27067486 (cited by 4 submitters); PubMed 29138690 (cited by 3 submitters).

NM_000128.4(F11):c.977G>A (p.Arg326His)

Gene: F11 (coagulation factor XI; plus strand). Cytogenetic location: 4q35.2.
Variant type: single nucleotide variant.
Coding change: c.977G>A on transcript NM_000128.4 (MANE Select); coding-DNA position 977, G replaced by A.
Protein change: p.Arg326His; replaces arginine 326 with histidine.
Molecular consequence: missense variant.
Genome position (GRCh38, 1-based): chr4:186,280,334, G>A. VCF-style: chr4-186280334-G-A. GRCh37 (hg19) VCF-style: chr4-187201488-G-A.
Other names: short protein forms R326H.
Identifiers: ClinVar variation 550462 (VCV000550462.9), dbSNP rs1554082932, ClinGen allele CA358938142.